The following is an entry in ClinVar:

ClinVar aggregate classification (germline): Uncertain significance (1 of 4 stars; one submission).

Conditions:
Early-infantile DEE. Also called: Early infantile epileptic encephalopathy with suppression bursts; Early infantile epileptic encephalopathy; Ohtahara syndrome. Identifiers: Orphanet 1934, MedGen C0393706, MONDO:0800491.

Submission:

Labcorp Genetics (formerly Invitae), Labcorp
Classification: Uncertain significance for Early-infantile DEE. Last evaluated: 2022-08-05. Review status: criteria provided, single submitter. Criteria: Invitae Variant Classification Sherloc (09022015). Collection method: clinical testing. Allele origin: germline.
Comment: This variant has not been reported in the literature in individuals affected with SCN1A-related conditions. This variant is not present in population databases (gnomAD no frequency). This sequence change replaces proline, which is neutral and non-polar, with threonine, which is neutral and polar, at codon 824 of the SCN1A protein (p.Pro824Thr). Advanced modeling of protein sequence and biophysical properties (such as structural, functional, and spatial information, amino acid conservation, physicochemical variation, residue mobility, and thermodynamic stability) performed at Invitae indicates that this missense variant is expected to disrupt SCN1A protein function. In summary, the available evidence is currently insufficient to determine the role of this variant in disease. Therefore, it has been classified as a Variant of Uncertain Significance.

NM_001165963.4(SCN1A):c.2470C>A (p.Pro824Thr)

Gene: SCN1A (sodium voltage-gated channel alpha subunit 1; minus strand). Cytogenetic location: 2q24.3.
Variant type: single nucleotide variant.
Coding change: c.2470C>A on transcript NM_001165963.4 (MANE Select); coding-DNA position 2470, C replaced by A.
Protein change: p.Pro824Thr; replaces proline 824 with threonine.
Molecular consequence: missense variant. On other transcripts: non-coding transcript variant (1).
Genome position (GRCh38, 1-based): chr2:166,039,542, G>T on the plus strand (C>A on the coding strand, the complement: SCN1A is on the minus strand). VCF-style: chr2-166039542-G-T. GRCh37 (hg19) VCF-style: chr2-166896052-G-T.
Other names: c.2386C>A, p.Pro796Thr (NM_001165964.3, NM_001353957.2, NM_001353958.2); c.2470C>A, p.Pro824Thr (NM_001202435.3, NM_001353948.2); c.2437C>A, p.Pro813Thr (NM_001353949.2, NM_001353950.2, NM_001353951.2 and 2 more transcripts); c.2434C>A, p.Pro812Thr (NM_001353954.2, NM_001353955.2); c.2383C>A, p.Pro795Thr (NM_001353960.2); c.28C>A, p.Pro10Thr (NM_001353961.2); short protein forms P10T, P795T, P796T, P812T, P813T, P824T.
Identifiers: ClinVar variation 1715239 (VCV001715239.5), dbSNP rs2468115044, ClinGen allele CA349062673.